The following is an entry in ClinVar:

NM_004991.4(MECOM):c.2359A>G (p.Lys787Glu)

Gene: MECOM (MDS1 and EVI1 complex locus; minus strand). Cytogenetic location: 3q26.2.
Variant type: single nucleotide variant.
Coding change: c.2359A>G on transcript NM_004991.4 (MANE Select); coding-DNA position 2359, A replaced by G.
Protein change: p.Lys787Glu; replaces lysine 787 with glutamic acid.
Molecular consequence: missense variant.
Genome position (GRCh38, 1-based): chr3:169,115,513, T>C on the plus strand (A>G on the coding strand, the complement: MECOM is on the minus strand). VCF-style: chr3-169115513-T-C. GRCh37 (hg19) VCF-style: chr3-168833301-T-C.
Other names: c.1990A>G, p.Lys664Glu (NM_001105077.4); c.1795A>G, p.Lys599Glu (NM_001105078.4, NM_001164000.2, NM_001205194.2 and 4 more transcripts); c.1798A>G, p.Lys600Glu (NM_001163999.2, NM_001366467.2, NM_001366468.2 and 1 more transcripts); c.2359A>G, p.Lys787Glu (NM_001366466.2); c.1387A>G, p.Lys463Glu (NM_001366473.2); c.823A>G, p.Lys275Glu (NM_001366474.2); short protein forms K599E, K664E, K275E, K600E, K463E, K787E.
Identifiers: ClinVar variation 5024203 (VCV005024203.1).

ClinVar aggregate classification (germline): Uncertain significance (1 of 4 stars; one submission).

Conditions:
Inborn genetic diseases. Identifiers: MedGen C0950123, MeSH D030342.

Submission:

Ambry Genetics
Classification: Uncertain significance for Inborn genetic diseases. Last evaluated: 2026-08-31. Review status: criteria provided, single submitter. Criteria: Ambry Variant Classification Scheme 2023. Collection method: clinical testing. Allele origin: germline.
Comment: The p.K787E variant (also known as c.2359A>G), located in coding exon 8 of the MECOM gene, results from an A to G substitution at nucleotide position 2359. The lysine at codon 787 is replaced by glutamic acid, an amino acid with similar properties. This amino acid position is conserved. In addition, this alteration is predicted to be tolerated by in silico analysis. Based on the available evidence, the clinical significance of this variant remains unclear.